The following is an entry in ClinVar:

ClinVar aggregate classification (germline): Likely benign (1 of 4 stars; one submission).

Allele frequency attached by ClinVar (database versions not stated): TOPMed below 0.00001; gnomAD 0.00001 and 0.00002; gnomAD exomes 0.00001 and 0.00002; ExAC 0.00002.
gnomAD v4.1: 14 of 1,613,246 alleles (0.00087%); highest among the groups gnomAD compares: South Asian, 0.011%; no homozygotes.

Submission:

GeneDx
Classification: Likely benign. Last evaluated: 2016-12-15. Review status: criteria provided, single submitter. Criteria: GeneDx Variant Classification (06012015). Collection method: clinical testing. Allele origin: germline. Affected: yes.
Comment: This variant is considered likely benign or benign based on one or more of the following criteria: it is a conservative change, it occurs at a poorly conserved position in the protein, it is predicted to be benign by multiple in silico algorithms, and/or has population frequency not consistent with disease.

NM_013391.3(DMGDH):c.2385+11A>C

Gene: DMGDH (dimethylglycine dehydrogenase; minus strand). Cytogenetic location: 5q14.1.
Variant type: single nucleotide variant.
Coding change: c.2385+11A>C on transcript NM_013391.3 (MANE Select); 11 bases into the intron after coding-DNA position 2385, A replaced by C.
Molecular consequence: intron variant.
Genome position (GRCh38, 1-based): chr5:79,005,262, T>G on the plus strand (A>C on the coding strand, the complement: DMGDH is on the minus strand). VCF-style: chr5-79005262-T-G. GRCh37 (hg19) VCF-style: chr5-78301085-T-G.
Identifiers: ClinVar variation 391375 (VCV000391375.1), dbSNP rs369624925, ClinGen allele CA3318447.
Genomic context (GRCh38, chr5:79,005,262, plus strand): 5'-AAATAGGAACAAGGGGAGTTTCTGTTGCAGAAGATGCCACAGCCCCTGGCAGTGAGGTCC[T>G]CAGCACTCACCTTGCCATTGTACCAGATGCTTTCATTTCCCTCTGGATCAACATCATCCG-3'